The following is an entry in ClinVar:

NM_002439.5(MSH3):c.445dup (p.Ser149fs)

Gene: MSH3 (mutS homolog 3; plus strand). Cytogenetic location: 5q14.1.
Variant type: Duplication.
Coding change: c.445dup on transcript NM_002439.5 (MANE Select); coding-DNA position 445, one base duplicated (A; older notation c.445dupA).
Protein change: p.Ser149fs; shifts the reading frame from serine 149.
Molecular consequence: frameshift variant.
Genome position (GRCh38, 1-based): chr5:80,665,229, A duplicated; the last of 3 consecutive A bases (chr5:80,665,227-80,665,229); duplicating any one gives the same sequence. VCF-style (leftmost placement, unchanged base first): chr5-80665226-C-CA. GRCh37 (hg19) VCF-style: chr5-79961045-C-CA.
Other names: short protein forms S149fs.
Identifiers: ClinVar variation 1455134 (VCV001455134.6), dbSNP rs2112808805, ClinGen allele CA2573139844.

ClinVar aggregate classification (germline): Pathogenic (1 of 4 stars; one submission).

Submission:

Labcorp Genetics (formerly Invitae), Labcorp
Classification: Pathogenic. Last evaluated: 2024-06-21. Review status: criteria provided, single submitter. Criteria: Invitae Variant Classification Sherloc (09022015). Collection method: clinical testing. Allele origin: germline.
Comment: This sequence change creates a premature translational stop signal (p.Ser149Lysfs*2) in the MSH3 gene. It is expected to result in an absent or disrupted protein product. Loss-of-function variants in MSH3 are known to be pathogenic (PMID: 27476653, 37402566). This variant is not present in population databases (gnomAD no frequency). This variant has not been reported in the literature in individuals affected with MSH3-related conditions. ClinVar contains an entry for this variant (Variation ID: 1455134). For these reasons, this variant has been classified as Pathogenic.

Literature cited by the submitters: PubMed 27476653; PubMed 37402566.